The following is an entry in ClinVar:

NM_001365951.3(KIF1B):c.2986G>A (p.Val996Ile)

Gene: KIF1B (kinesin family member 1B; plus strand). Cytogenetic location: 1p36.22.
Variant type: single nucleotide variant.
Coding change: c.2986G>A on transcript NM_001365951.3 (MANE Select); coding-DNA position 2986, G replaced by A.
Protein change: p.Val996Ile; replaces valine 996 with isoleucine.
Molecular consequence: missense variant.
Genome position (GRCh38, 1-based): chr1:10,334,581, G>A. VCF-style: chr1-10334581-G-A. GRCh37 (hg19) VCF-style: chr1-10394639-G-A.
Other names: c.2986G>A, p.Val996Ile (NM_001365952.1); c.2848G>A, p.Val950Ile (NM_015074.3); short protein forms V950I, V996I.
Identifiers: ClinVar variation 408310 (VCV000408310.9), dbSNP rs145596547, ClinGen allele CA581661.
Genomic context (GRCh38, chr1:10,334,581, plus strand): 5'-GCATTTGTTTACCTGAGCAATCTGCTGTATCCCGTGCCCCTGATCCACAGGGTGGCCATC[G>A]TCAGTGAGAAAGGTGAAGTGCGGGGATTTCTGCGTGTGGCTGTACAGGCCATCGCAGGTA-3'
Protein context (NP_001352880.1, residues 986-1006): PVPLIHRVAI[Val996Ile]SEKGEVRGFL

ClinVar aggregate classification (germline): Conflicting classifications of pathogenicity. Review status: criteria provided, conflicting classifications (1 of 4 stars). 2 submissions from 2 submitters: Uncertain significance (1); Likely benign (1). Last evaluated 2025-08-06.

Conditions:
Charcot-Marie-Tooth disease type 2. Also called: Charcot-Marie-Tooth type 2. Identifiers: Orphanet 64746, MedGen C0270914, MONDO:0018993.

Allele frequency attached by ClinVar (database versions not stated): ESP Exome Variant Server 0.00008; gnomAD exomes 0.00001 and 0.00006; gnomAD 0.00004; TOPMed 0.00005; ExAC 0.00007.
gnomAD v4.1: 30 of 1,613,962 alleles (0.0019%); highest among the groups gnomAD compares: African/African-American, 0.012%; no homozygotes.

Submissions (2):

Labcorp Genetics (formerly Invitae), Labcorp
Classification: Uncertain significance for Charcot-Marie-Tooth disease type 2. Last evaluated: 2025-08-06. Review status: criteria provided, single submitter. Criteria: Invitae Variant Classification Sherloc (09022015). Collection method: clinical testing. Allele origin: germline.
Comment: This sequence change replaces valine, which is neutral and non-polar, with isoleucine, which is neutral and non-polar, at codon 950 of the KIF1B protein (p.Val950Ile). This variant is present in population databases (rs145596547, gnomAD 0.04%), and has an allele count higher than expected for a pathogenic variant. This variant has not been reported in the literature in individuals affected with KIF1B-related conditions. ClinVar contains an entry for this variant (Variation ID: 408310). Invitae Evidence Modeling of protein sequence and biophysical properties (such as structural, functional, and spatial information, amino acid conservation, physicochemical variation, residue mobility, and thermodynamic stability) indicates that this missense variant is not expected to disrupt KIF1B protein function with a negative predictive value of 80%. In summary, the available evidence is currently insufficient to determine the role of this variant in disease. Therefore, it has been classified as a Variant of Uncertain Significance.

Ambry Genetics
Classification: Likely benign. Last evaluated: 2021-06-26. Review status: criteria provided, single submitter. Criteria: Ambry Variant Classification Scheme 2023. Collection method: clinical testing. Allele origin: germline.